The following is an entry in ClinVar:

ClinVar aggregate classification (germline): Uncertain significance (1 of 4 stars; one submission).

Conditions:
Gastrointestinal stromal tumor. Also called: Gastrointestinal stromal tumor, somatic; Gastrointestinal stroma tumor. Identifiers: Orphanet 44890, MedGen C0238198, MeSH D046152, MONDO:0011719, OMIM 606764, HP:0100723.

Allele frequency attached by ClinVar (database versions not stated): gnomAD exomes below 0.00001.
gnomAD v4.1: 1 of 1,613,720 alleles (0.000062%); highest among the groups gnomAD compares: East Asian, 0.0022%; no homozygotes.

Submission:

Labcorp Genetics (formerly Invitae), Labcorp
Classification: Uncertain significance for Gastrointestinal stromal tumor. Last evaluated: 2019-11-27. Review status: criteria provided, single submitter. Criteria: Invitae Variant Classification Sherloc (09022015). Collection method: clinical testing. Allele origin: germline.
Comment: This sequence change replaces threonine with alanine at codon 523 of the KIT protein (p.Thr523Ala). The threonine residue is highly conserved and there is a small physicochemical difference between threonine and alanine. In summary, the available evidence is currently insufficient to determine the role of this variant in disease. Therefore, it has been classified as a Variant of Uncertain Significance. Algorithms developed to predict the effect of missense changes on protein structure and function are either unavailable or do not agree on the potential impact of this missense change (SIFT: "Deleterious"; PolyPhen-2: "Benign"; Align-GVGD: "Class C55"). This variant has not been reported in the literature in individuals with KIT-related conditions. This variant is not present in population databases (ExAC no frequency).

NM_000222.3(KIT):c.1567A>G (p.Thr523Ala)

Gene: KIT (KIT proto-oncogene, receptor tyrosine kinase; plus strand). Cytogenetic location: 4q12.
Variant type: single nucleotide variant.
Coding change: c.1567A>G on transcript NM_000222.3 (MANE Select); coding-DNA position 1567, A replaced by G.
Protein change: p.Thr523Ala; replaces threonine 523 with alanine.
Molecular consequence: missense variant.
Genome position (GRCh38, 1-based): chr4:54,727,244, A>G. VCF-style: chr4-54727244-A-G. GRCh37 (hg19) VCF-style: chr4-55593410-A-G.
Other names: c.1555A>G, p.Thr519Ala (NM_001093772.2, NM_001385286.1); c.1570A>G, p.Thr524Ala (NM_001385284.1, NM_001385290.1); c.1567A>G, p.Thr523Ala (NM_001385285.1); c.1558A>G, p.Thr520Ala (NM_001385288.1, NM_001385292.1); short protein forms T523A, T519A, T520A, T524A.
Identifiers: ClinVar variation 846369 (VCV000846369.10), dbSNP rs1326565450, ClinGen allele CA356906947.